The following is an entry in ClinVar:

ClinVar aggregate classification (germline): Uncertain significance. Review status: criteria provided, multiple submitters, no conflicts (2 of 4 stars). 2 submissions from 2 submitters: Uncertain significance (2). Last evaluated 2024-11-02.

Conditions:
Emery-Dreifuss muscular dystrophy 4, autosomal dominant (EDMD4). Also called: EMERY-DREIFUSS MUSCULAR DYSTROPHY 4 WITH VARIABLE FEATURES. Identifiers: Orphanet 261, MedGen C2751807, MONDO:0013071, OMIM 612998.
Autosomal recessive ataxia, Beauce type. Also called: Spinocerebellar ataxia, autosomal recessive 8; ATAXIA, RECESSIVE, OF BEAUCE; SYNE1-Related Autosomal Recessive Cerebellar Ataxia; SYNE1 Deficiency. Identifiers: Orphanet 88644, MedGen C1853116, MONDO:0012549, OMIM 610743.

Allele frequency attached by ClinVar (database versions not stated): gnomAD exomes below 0.00001 and 0.00001; ExAC 0.00001; TOPMed 0.00002; ESP Exome Variant Server 0.00008.
gnomAD v4.1: 19 of 1,614,078 alleles (0.0012%); highest among the groups gnomAD compares: Non-Finnish European, 0.0015%; no homozygotes.

Submissions (2):

Labcorp Genetics (formerly Invitae), Labcorp
Classification: Uncertain significance for Emery-Dreifuss muscular dystrophy 4, autosomal dominant; Autosomal recessive ataxia, Beauce type. Last evaluated: 2024-11-02. Review status: criteria provided, single submitter. Criteria: Invitae Variant Classification Sherloc (09022015). Collection method: clinical testing. Allele origin: germline.
Comment: This sequence change replaces valine, which is neutral and non-polar, with methionine, which is neutral and non-polar, at codon 8207 of the SYNE1 protein (p.Val8207Met). This variant is present in population databases (rs200663180, gnomAD 0.0009%). This variant has not been reported in the literature in individuals affected with SYNE1-related conditions. ClinVar contains an entry for this variant (Variation ID: 665866). An algorithm developed to predict the effect of missense changes on protein structure and function (PolyPhen-2) suggests that this variant is likely to be disruptive. In summary, the available evidence is currently insufficient to determine the role of this variant in disease. Therefore, it has been classified as a Variant of Uncertain Significance.

GeneDx
Classification: Uncertain significance. Last evaluated: 2024-07-19. Review status: criteria provided, single submitter. Criteria: GeneDx Variant Classification Process June 2021. Collection method: clinical testing. Allele origin: germline. Affected: yes.
Comment: Not observed at significant frequency in large population cohorts (gnomAD); In silico analysis supports that this missense variant has a deleterious effect on protein structure/function; Has not been previously published as pathogenic or benign to our knowledge

NM_182961.4(SYNE1):c.24832G>A (p.Val8278Met)

Gene: SYNE1 (spectrin repeat containing nuclear envelope protein 1; minus strand). Cytogenetic location: 6q25.2.
Variant type: single nucleotide variant.
Coding change: c.24832G>A on transcript NM_182961.4 (MANE Select); coding-DNA position 24832, G replaced by A.
Protein change: p.Val8278Met; replaces valine 8278 with methionine.
Molecular consequence: missense variant.
Genome position (GRCh38, 1-based): chr6:152,148,189, C>T on the plus strand (G>A on the coding strand, the complement: SYNE1 is on the minus strand). VCF-style: chr6-152148189-C-T. GRCh37 (hg19) VCF-style: chr6-152469324-C-T.
Other names: c.1438G>A, p.Val480Met (NM_001347701.2); c.1297G>A, p.Val433Met (NM_001347702.2); c.24619G>A, p.Val8207Met (NM_033071.5); short protein forms V480M, V8278M, V433M, V8207M.
Identifiers: ClinVar variation 665866 (VCV000665866.11), dbSNP rs200663180, ClinGen allele CA4053060.
Genomic context (GRCh38, chr6:152,148,189, plus strand): 5'-CAGACTCCAGGTCCCGACTGAGGTCATAGTCGTGATCCCACTCCAGGGGGATGGAGTCCA[C>T]ACTAGCCGGGGTGTCTCGTCCTGACCGCTCGCTCCGGAGGGGCTGAGCGAGCGAGAGGGA-3'
Protein context (NP_892006.3, residues 8268-8288): ERSGRDTPAS[Val8278Met]DSIPLEWDHD